The following is an entry in ClinVar:

NM_004656.4(BAP1):c.552T>C (p.Asp184=)

Gene: BAP1 (BRCA1 associated deubiquitinase 1; minus strand). Cytogenetic location: 3p21.1.
Variant type: single nucleotide variant.
Coding change: c.552T>C on transcript NM_004656.4 (MANE Select); coding-DNA position 552, T replaced by C.
Protein change: p.Asp184=; no amino-acid change (aspartic acid 184 retained).
Molecular consequence: synonymous variant.
Genome position (GRCh38, 1-based): chr3:52,407,202, A>G on the plus strand (T>C on the coding strand, the complement: BAP1 is on the minus strand). VCF-style: chr3-52407202-A-G. GRCh37 (hg19) VCF-style: chr3-52441218-A-G.
Identifiers: ClinVar variation 767135 (VCV000767135.17), dbSNP rs1469317943, ClinGen allele CA433777062.

ClinVar aggregate classification (germline): Benign/Likely benign. Review status: criteria provided, multiple submitters, no conflicts (2 of 4 stars). 4 submissions from 4 submitters: Benign (1); Likely benign (3). Last evaluated 2026-01-31.

Conditions:
Hereditary cancer-predisposing syndrome. Also called: Neoplastic Syndromes, Hereditary; Hereditary Cancer Syndrome; Tumor predisposition; Hereditary neoplastic syndrome. Identifiers: Orphanet 140162, MedGen C0027672, MeSH D009386, MONDO:0015356.
BAP1-related tumor predisposition syndrome (TPDS1). Also called: BAP1 tumor predisposition syndrome; Tumor susceptibility linked to germline BAP1 mutations; COMMON Syndrome; TUMOR PREDISPOSITION SYNDROME 1. Identifiers: Orphanet 289539, MedGen C3280492, MONDO:0013692, OMIM 614327.

Allele frequency attached by ClinVar (database versions not stated): TOPMed below 0.00001; gnomAD exomes 0.00001; gnomAD 0.00003.
gnomAD v4.1: 4 of 1,614,142 alleles (0.00025%); highest among the groups gnomAD compares: Non-Finnish European, 0.00034%; no homozygotes.

Submissions (4):

Labcorp Genetics (formerly Invitae), Labcorp
Classification: Likely benign for BAP1-related tumor predisposition syndrome. Last evaluated: 2026-01-31. Review status: criteria provided, single submitter. Criteria: Invitae Variant Classification Sherloc (09022015). Collection method: clinical testing. Allele origin: germline.

Myriad Genetics, Inc.
Classification: Benign for BAP1-related tumor predisposition syndrome. Last evaluated: 2024-07-12. Review status: criteria provided, single submitter. Criteria: Myriad Autosomal Dominant, Autosomal Recessive and X-Linked Classification Criteria (2023). Collection method: clinical testing. Allele origin: unknown.
Comment: This variant is considered benign. This variant is a silent/synonymous amino acid change and it is not expected to impact splicing.

Color Diagnostics, LLC DBA Color Health
Classification: Likely benign for Hereditary cancer-predisposing syndrome. Last evaluated: 2019-09-09. Review status: criteria provided, single submitter. Criteria: ACMG Guidelines, 2015. Collection method: clinical testing. Allele origin: germline.

Ambry Genetics
Classification: Likely benign for Hereditary cancer-predisposing syndrome. Last evaluated: 2015-10-23. Review status: criteria provided, single submitter. Criteria: Ambry Variant Classification Scheme 2023. Collection method: clinical testing. Allele origin: germline.